The following is an entry in ClinVar:

NM_021224.6(ZNF462):c.1628C>T (p.Pro543Leu)

Gene: ZNF462 (zinc finger protein 462; plus strand). Cytogenetic location: 9q31.2.
Variant type: single nucleotide variant.
Coding change: c.1628C>T on transcript NM_021224.6 (MANE Select); coding-DNA position 1628, C replaced by T.
Protein change: p.Pro543Leu; replaces proline 543 with leucine.
Molecular consequence: missense variant.
Genome position (GRCh38, 1-based): chr9:106,925,540, C>T. VCF-style: chr9-106925540-C-T. GRCh37 (hg19) VCF-style: chr9-109687821-C-T.
Other names: c.1628C>T, p.Pro543Leu (NM_001347997.2); short protein forms P543L.
Identifiers: ClinVar variation 2659369 (VCV002659369.24), dbSNP rs200349681, ClinGen allele CA5171360.
Genomic context (GRCh38, chr9:106,925,540, plus strand): 5'-CAAGCATCAATGGTAGAAAGTCAGGAGTCATGTTGGATCCCTTGCAGCAGCAACAGCCAC[C>T]GCAGCCACCACCACCGCCGCCGCCACCACCACCATCACAGCCACAGCCACTGCAGCAGCC-3'
Protein context (NP_067047.4, residues 533-553): MLDPLQQQQP[Pro543Leu]QPPPPPPPPP

ClinVar aggregate classification (germline): Benign (1 of 4 stars; one submission).

Allele frequency attached by ClinVar (database versions not stated): gnomAD 0.00015; gnomAD exomes 0.00021; TOPMed 0.00022; 1000 Genomes Project 30x 0.00031; ExAC 0.00038; 1000 Genomes Project 0.00040.
gnomAD v4.1: 334 of 1,613,308 alleles (0.021%); highest among the groups gnomAD compares: East Asian, 0.63%; 2 homozygotes.

Submission:

CeGaT Center for Human Genetics Tuebingen
Classification: Benign. Last evaluated: 2022-09-01. Review status: criteria provided, single submitter. Criteria: CeGaT Center For Human Genetics Tuebingen Variant Classification Criteria Version 2. Collection method: clinical testing. Allele origin: germline. Affected: yes. Observed: 1 variant allele.
Comment: ZNF462: BS1, BS2